The following is an entry in ClinVar:

ClinVar aggregate classification (germline): Likely benign. Review status: criteria provided, multiple submitters, no conflicts (2 of 4 stars). 4 submissions from 4 submitters: Likely benign (4). Last evaluated 2025-04-15.

Conditions:
Hereditary nonpolyposis colorectal neoplasms. Identifiers: MedGen C0009405, MeSH D003123.
Hereditary cancer-predisposing syndrome. Also called: Hereditary neoplastic syndrome; Hereditary Cancer Syndrome; Neoplastic Syndromes, Hereditary; Tumor predisposition. Identifiers: Orphanet 140162, MedGen C0027672, MeSH D009386, MONDO:0015356.

Submissions (4):

Color Diagnostics, LLC DBA Color Health
Classification: Likely benign for Hereditary cancer-predisposing syndrome. Last evaluated: 2025-04-15. Review status: criteria provided, single submitter. Criteria: ACMG Guidelines, 2015. Collection method: clinical testing. Allele origin: germline.

Labcorp Genetics (formerly Invitae), Labcorp
Classification: Likely benign for Hereditary nonpolyposis colorectal neoplasms. Last evaluated: 2024-09-12. Review status: criteria provided, single submitter. Criteria: Invitae Variant Classification Sherloc (09022015). Collection method: clinical testing. Allele origin: germline.

Ambry Genetics
Classification: Likely benign for Hereditary cancer-predisposing syndrome. Last evaluated: 2020-11-24. Review status: criteria provided, single submitter. Criteria: Ambry Variant Classification Scheme 2023. Collection method: clinical testing. Allele origin: germline.

GeneDx
Classification: Likely benign. Last evaluated: 2017-07-13. Review status: criteria provided, single submitter. Criteria: GeneDx Variant Classification (06012015). Collection method: clinical testing. Allele origin: germline. Affected: yes.
Comment: This variant is considered likely benign or benign based on one or more of the following criteria: it is a conservative change, it occurs at a poorly conserved position in the protein, it is predicted to be benign by multiple in silico algorithms, and/or has population frequency not consistent with disease.

NM_000179.3(MSH6):c.4082del (p.Leu1360_Ter1361insTer)

Gene: MSH6 (mutS homolog 6; plus strand). Cytogenetic location: 2p16.3.
Variant type: Deletion.
Coding change: c.4082del on transcript NM_000179.3 (MANE Select); coding-DNA position 4082, one base deleted (A; older notation c.4082delA).
Protein change: p.Leu1360_Ter1361insTer.
Molecular consequence: frameshift variant.
Genome position (GRCh38, 1-based): chr2:47,806,859, A deleted. VCF-style (leftmost placement, unchanged base first): chr2-47806858-TA-T. GRCh37 (hg19) VCF-style: chr2-48033997-TA-T.
Other names: c.3692del, p.Leu1230_Ter1231insTer (NM_001281492.2); c.3176del, p.Leu1058_Ter1059insTer (NM_001281493.2, NM_001281494.2); c.4082delA (NM_000179.2).
Identifiers: ClinVar variation 510862 (VCV000510862.15), dbSNP rs1553334124, ClinGen allele CA658795769.